The following is an entry in ClinVar:

NM_002691.4(POLD1):c.3133A>C (p.Asn1045His)

Gene: POLD1 (DNA polymerase delta 1, catalytic subunit; plus strand). Cytogenetic location: 19q13.33.
Variant type: single nucleotide variant.
Coding change: c.3133A>C on transcript NM_002691.4 (MANE Select); coding-DNA position 3133, A replaced by C.
Protein change: p.Asn1045His; replaces asparagine 1045 with histidine.
Molecular consequence: missense variant. On other transcripts: non-coding transcript variant (1).
Genome position (GRCh38, 1-based): chr19:50,417,184, A>C. VCF-style: chr19-50417184-A-C. GRCh37 (hg19) VCF-style: chr19-50920441-A-C.
Other names: c.3133A>C, p.Asn1045His (NM_001256849.1); c.3211A>C, p.Asn1071His (NM_001308632.1); short protein forms N1071H, N1045H.
Identifiers: ClinVar variation 3781415 (VCV003781415.1).

ClinVar aggregate classification (germline): Uncertain significance (1 of 4 stars; one submission).

Conditions:
Hereditary cancer-predisposing syndrome. Also called: Neoplastic Syndromes, Hereditary; Hereditary Cancer Syndrome; Tumor predisposition; Hereditary neoplastic syndrome. Identifiers: Orphanet 140162, MedGen C0027672, MeSH D009386, MONDO:0015356.

Submission:

Ambry Genetics
Classification: Uncertain significance for Hereditary cancer-predisposing syndrome. Last evaluated: 2025-02-26. Review status: criteria provided, single submitter. Criteria: Ambry Variant Classification Scheme 2023. Collection method: clinical testing. Allele origin: germline.
Comment: The p.N1045H variant (also known as c.3133A>C), located in coding exon 25 of the POLD1 gene, results from an A to C substitution at nucleotide position 3133. The asparagine at codon 1045 is replaced by histidine, an amino acid with similar properties. This amino acid position is conserved. In addition, this alteration is predicted to be tolerated by in silico analysis. Based on the available evidence, the clinical significance of this variant remains unclear.